The following is an entry in ClinVar:

ClinVar aggregate classification (germline): Uncertain significance (1 of 4 stars; one submission).

Allele frequency attached by ClinVar (database versions not stated): gnomAD 0.00002; ESP Exome Variant Server 0.00008.
gnomAD v4.1: 24 of 1,613,170 alleles (0.0015%); highest among the groups gnomAD compares: Non-Finnish European, 0.0017%; no homozygotes.

Submission:

Labcorp Genetics (formerly Invitae), Labcorp
Classification: Uncertain significance. Last evaluated: 2022-08-28. Review status: criteria provided, single submitter. Criteria: Invitae Variant Classification Sherloc (09022015). Collection method: clinical testing. Allele origin: germline.
Comment: This sequence change replaces histidine, which is basic and polar, with proline, which is neutral and non-polar, at codon 112 of the SNX14 protein (p.His112Pro). This variant is present in population databases (rs142940872, gnomAD 0.003%). This variant has not been reported in the literature in individuals affected with SNX14-related conditions. Algorithms developed to predict the effect of missense changes on protein structure and function are either unavailable or do not agree on the potential impact of this missense change (SIFT: "Deleterious"; PolyPhen-2: "Probably Damaging"; Align-GVGD: "Class C0"). In summary, the available evidence is currently insufficient to determine the role of this variant in disease. Therefore, it has been classified as a Variant of Uncertain Significance.

NM_153816.6(SNX14):c.335A>C (p.His112Pro)

Gene: SNX14 (sorting nexin 14; minus strand). Cytogenetic location: 6q14.3.
Variant type: single nucleotide variant.
Coding change: c.335A>C on transcript NM_153816.6 (MANE Select); coding-DNA position 335, A replaced by C.
Protein change: p.His112Pro; replaces histidine 112 with proline.
Molecular consequence: missense variant. On other transcripts: 5 prime UTR variant (9), non-coding transcript variant (6).
Genome position (GRCh38, 1-based): chr6:85,572,301, T>G on the plus strand (A>C on the coding strand, the complement: SNX14 is on the minus strand). VCF-style: chr6-85572301-T-G. GRCh37 (hg19) VCF-style: chr6-86282019-T-G.
Other names: c.335A>C, p.His112Pro (NM_001297614.3, NM_001350536.2, NM_001350538.2 and 3 more transcripts); c.179A>C, p.His60Pro (NM_001304479.2, NM_001350542.2, NM_001350544.2); c.398A>C, p.His133Pro (NM_001350532.2); c.332A>C, p.His111Pro (NM_001350533.2, NM_001350534.2, NM_001350535.2 and 1 more transcripts); c.176A>C, p.His59Pro (NM_001350539.2, NM_001350543.2); c.-66A>C (NM_001350545.2, NM_001350546.2); c.-631A>C (NM_001350547.2); c.-685A>C (NM_001350548.2); and 3 more; short protein forms H111P, H59P, H133P, H112P, H60P.
Identifiers: ClinVar variation 2054164 (VCV002054164.1), dbSNP rs142940872, ClinGen allele CA3912476.